The following is an entry in ClinVar:

NM_206933.4(USH2A):c.15391C>G (p.Gln5131Glu)

Gene: USH2A (usherin; minus strand). Cytogenetic location: 1q41.
Variant type: single nucleotide variant.
Coding change: c.15391C>G on transcript NM_206933.4 (MANE Select); coding-DNA position 15391, C replaced by G.
Protein change: p.Gln5131Glu; replaces glutamine 5131 with glutamic acid.
Molecular consequence: missense variant.
Genome position (GRCh38, 1-based): chr1:215,628,942, G>C on the plus strand (C>G on the coding strand, the complement: USH2A is on the minus strand). VCF-style: chr1-215628942-G-C. GRCh37 (hg19) VCF-style: chr1-215802284-G-C.
Other names: short protein forms Q5131E.
Identifiers: ClinVar variation 1475051 (VCV001475051.8), dbSNP rs1192363193, ClinGen allele CA344821054.

ClinVar aggregate classification (germline): Uncertain significance (1 of 4 stars; one submission).

Allele frequency attached by ClinVar (database versions not stated): TOPMed below 0.00001; gnomAD 0.00001.
gnomAD v4.1: 1 of 1,614,030 alleles (0.000062%); highest among the groups gnomAD compares: African/African-American, 0.0013%; no homozygotes.

Submission:

Labcorp Genetics (formerly Invitae), Labcorp
Classification: Uncertain significance. Last evaluated: 2022-03-29. Review status: criteria provided, single submitter. Criteria: Invitae Variant Classification Sherloc (09022015). Collection method: clinical testing. Allele origin: germline.
Comment: In summary, the available evidence is currently insufficient to determine the role of this variant in disease. Therefore, it has been classified as a Variant of Uncertain Significance. Algorithms developed to predict the effect of missense changes on protein structure and function are either unavailable or do not agree on the potential impact of this missense change (SIFT: "Deleterious"; PolyPhen-2: "Benign"; Align-GVGD: "Class C0"). This variant has not been reported in the literature in individuals affected with USH2A-related conditions. This variant is not present in population databases (gnomAD no frequency). This sequence change replaces glutamine, which is neutral and polar, with glutamic acid, which is acidic and polar, at codon 5131 of the USH2A protein (p.Gln5131Glu).